The following is an entry in ClinVar:

ClinVar aggregate classification (germline): Uncertain significance (1 of 4 stars; one submission).

Conditions:
Inborn genetic diseases. Identifiers: MedGen C0950123, MeSH D030342.

Submission:

Ambry Genetics
Classification: Uncertain significance for Inborn genetic diseases. Last evaluated: 2025-03-14. Review status: criteria provided, single submitter. Criteria: Ambry Variant Classification Scheme 2023. Collection method: clinical testing. Allele origin: germline.
Comment: The c.716_721delCCGCGC variant (also known as p.P239_A240del) is located in coding exon 1 of the CEBPA gene. This variant results from an in-frame CCGCGC deletion at nucleotide positions 716 to 721. This results in the in-frame deletion of two amino acids (PA) at codons 239 to 240. These amino acid positions are well conserved in available vertebrate species. In addition, this alteration is predicted to be neutral by in silico analysis (Choi Y et al. PLoS ONE. 2012; 7(10):e46688). Based on the available evidence, the clinical significance of this variant remains unclear.

NM_004364.5(CEBPA):c.710CCGCGC[1] (p.237PA[1])

Gene: CEBPA (CCAAT enhancer binding protein alpha; minus strand). Cytogenetic location: 19q13.11.
Variant type: Microsatellite.
Coding change: c.710CCGCGC[1] on transcript NM_004364.5 (MANE Select); one copy of the 6-base unit CCGCGC starting at c.710; the reference has two copies in a row; one copy, 6 bases deleted.
Protein change: p.237PA[1].
Molecular consequence: inframe deletion. On other transcripts: inframe indel (2).
Genome position (GRCh38, 1-based): chr19:33,301,694-33,301,699, GCGCGG deleted on the plus strand (CCGCGC on the coding strand, the reverse complement: CEBPA is on the minus strand); deleting any 6 consecutive bases within chr19:33,301,694-33,301,706 gives the same sequence; the position shown is the placement nearest the transcript's 3' end. VCF-style (leftmost placement, unchanged base first): chr19-33301693-AGCGCGG-A. GRCh37 (hg19) VCF-style: chr19-33792599-AGCGCGG-A.
Other names: c.353CCGCGC[1], p.118PA[1] (NM_001285829.2); c.815CCGCGC[1], p.272PA[1] (NM_001287424.2); c.668CCGCGC[1], p.223PA[1] (NM_001287435.2); c.709_714CCCGCG[1], p.Pro239_Ala240del (NM_004364.3); c.716_721delCCGCGC (NM_004364.3).
Identifiers: ClinVar variation 3831227 (VCV003831227.1).